The following is an entry in ClinVar:

ClinVar aggregate classification (germline): Conflicting classifications of pathogenicity. Review status: criteria provided, conflicting classifications (1 of 4 stars). 6 submissions from 6 submitters: Uncertain significance (5); Benign (1). Last evaluated 2025-09-09.

Conditions:
Familial adenomatous polyposis 2. Also called: COLORECTAL ADENOMATOUS POLYPOSIS, AUTOSOMAL RECESSIVE; MUTYH-related attenuated familial adenomatous polyposis; Adenomas, multiple colorectal; MUTYH-associated polyposis; MUTYH Polyposis; ADENOMAS, MULTIPLE COLORECTAL, AUTOSOMAL RECESSIVE. Identifiers: Orphanet 220460, Orphanet 247798, MedGen C3272841, MONDO:0012041, OMIM 608456.
Gastric cancer. Also called: Stomach cancer; Malignant tumor of stomach. Identifiers: MedGen C0024623, MeSH D013274, MONDO:0001056, OMIM 613659, HP:0012126.
Hereditary cancer-predisposing syndrome. Also called: Tumor predisposition; Hereditary neoplastic syndrome; Hereditary Cancer Syndrome; Neoplastic Syndromes, Hereditary. Identifiers: Orphanet 140162, MedGen C0027672, MeSH D009386, MONDO:0015356.

Allele frequency attached by ClinVar (database versions not stated): gnomAD exomes below 0.00001; gnomAD 0.00001; TOPMed 0.00002.

Submissions (6):

Ambry Genetics
Classification: Benign for Hereditary cancer-predisposing syndrome. Last evaluated: 2025-09-09. Review status: criteria provided, single submitter. Criteria: Ambry Variant Classification Scheme 2023. Collection method: clinical testing. Allele origin: germline.

Labcorp Genetics (formerly Invitae), Labcorp
Classification: Uncertain significance for Familial adenomatous polyposis 2. Last evaluated: 2023-01-31. Review status: criteria provided, single submitter. Criteria: Invitae Variant Classification Sherloc (09022015). Collection method: clinical testing. Allele origin: germline.
Comment: This sequence change replaces serine, which is neutral and polar, with phenylalanine, which is neutral and non-polar, at codon 511 of the MUTYH protein (p.Ser511Phe). In summary, the available evidence is currently insufficient to determine the role of this variant in disease. Therefore, it has been classified as a Variant of Uncertain Significance. Algorithms developed to predict the effect of missense changes on protein structure and function are either unavailable or do not agree on the potential impact of this missense change (SIFT: "Deleterious"; PolyPhen-2: "Benign"; Align-GVGD: "Class C0"). ClinVar contains an entry for this variant (Variation ID: 483928). This variant has not been reported in the literature in individuals affected with MUTYH-related conditions. This variant is present in population databases (rs796921537, gnomAD 0.004%).

GeneDx
Classification: Uncertain significance. Last evaluated: 2023-01-05. Review status: criteria provided, single submitter. Criteria: GeneDx Variant Classification Process June 2021. Collection method: clinical testing. Allele origin: germline. Affected: yes.
Comment: Not observed at significant frequency in large population cohorts (gnomAD); In silico analysis supports that this missense variant has a deleterious effect on protein structure/function; Has not been previously published as pathogenic or benign to our knowledge

Department of Pathology and Laboratory Medicine, Sinai Health System
Classification: Uncertain significance for Gastric cancer; Familial adenomatous polyposis 2. Last evaluated: 2022-12-05. Review status: criteria provided, single submitter. Criteria: ACMG Guidelines, 2015. Collection method: research. Allele origin: germline.

Color Diagnostics, LLC DBA Color Health
Classification: Uncertain significance for Hereditary cancer-predisposing syndrome. Last evaluated: 2020-09-16. Review status: criteria provided, single submitter. Criteria: ACMG Guidelines, 2015. Collection method: clinical testing. Allele origin: germline.
Comment: This missense variant replaces serine with phenylalanine at codon 511 of the MUTYH protein. Computational prediction suggests that this variant may not impact protein structure and function (internally defined REVEL score threshold <= 0.5, PMID: 27666373). To our knowledge, functional studies have not been reported for this variant. This variant has not been reported in individuals affected with hereditary cancer in the literature. This variant has been identified in 2/282688 chromosomes in the general population by the Genome Aggregation Database (gnomAD). The available evidence is insufficient to determine the role of this variant in disease conclusively. Therefore, this variant is classified as a Variant of Uncertain Significance.

Women's Health and Genetics/Laboratory Corporation of America, LabCorp
Classification: Uncertain significance. Last evaluated: 2016-07-15. Review status: criteria provided, single submitter. Criteria: LabCorp Variant Classification Summary - May 2015. Collection method: clinical testing. Allele origin: germline.
Comment: Variant summary: The c.1532C>T (p.Ser511Phe) in MUTYH gene is a missense change that involves a mildly conserved nucleotide and 2/5 in silico tools predict benign outcome. The variant of interest is located outside of any known functional domain. The variant is absent from the control population dataset of ExAC and has not, to our knowledge, been reported in affected individuals via published reports or by reputable databases/clinical laboratories. Taking together, the variant was classified as VUS.

NM_001048174.2(MUTYH):c.1448C>T (p.Ser483Phe)

Gene: MUTYH (mutY DNA glycosylase; minus strand). Cytogenetic location: 1p34.1.
Variant type: single nucleotide variant.
Coding change: c.1448C>T on transcript NM_001048174.2 (MANE Select); coding-DNA position 1448, C replaced by T.
Protein change: p.Ser483Phe; replaces serine 483 with phenylalanine.
Molecular consequence: missense variant. On other transcripts: non-coding transcript variant (2).
Genome position (GRCh38, 1-based): chr1:45,329,424, G>A on the plus strand (C>T on the coding strand, the complement: MUTYH is on the minus strand). VCF-style: chr1-45329424-G-A. GRCh37 (hg19) VCF-style: chr1-45795096-G-A.
Other names: c.1448C>T, p.Ser483Phe (NM_001048171.2, NM_001048173.2, NM_001293195.2); c.1451C>T, p.Ser484Phe (NM_001048172.2); c.1532C>T, p.Ser511Phe (NM_001128425.2); c.1493C>T, p.Ser498Phe (NM_001293190.2); c.1481C>T, p.Ser494Phe (NM_001293191.2); c.1172C>T, p.Ser391Phe (NM_001293192.2, NM_001293196.2); c.1103C>T, p.Ser368Phe (NM_001350650.2, NM_001350651.2); c.1523C>T, p.Ser508Phe (NM_012222.3); short protein forms S511F, S498F, S508F, S391F, S483F, S484F, S368F, S494F.
Identifiers: ClinVar variation 483928 (VCV000483928.21), dbSNP rs796921537, ClinGen allele CA21833464.
Genomic context (GRCh38, chr1:45,329,424, plus strand): 5'-TTATCCAGGACTTGCTGGCCCATGCGGGGCTTTTTCCGACTGCACGGAGAGGACACCTGG[G>A]ACCTTTTGGAACCCTGTGAAAAAATGGAAGGAGGGAGGCCTTGTAGTTGGGGGAGGGGGA-3'
Protein context (NP_001041639.1, residues 473-493): QPGTCMGSKR[Ser483Phe]QVSSPCSRKK